The following is an entry in ClinVar:

NM_013296.5(GPSM2):c.129C>T (p.Gly43=)

Gene: GPSM2 (G protein signaling modulator 2; plus strand). Cytogenetic location: 1p13.3.
Variant type: single nucleotide variant.
Coding change: c.129C>T on transcript NM_013296.5 (MANE Select); coding-DNA position 129, C replaced by T.
Protein change: p.Gly43=; no amino-acid change (glycine 43 retained).
Molecular consequence: synonymous variant.
Genome position (GRCh38, 1-based): chr1:108,896,936, C>T. VCF-style: chr1-108896936-C-T. GRCh37 (hg19) VCF-style: chr1-109439558-C-T.
Other names: c.129C>T, p.Gly43= (NM_001321038.2, NM_001321039.3).
Identifiers: ClinVar variation 1308151 (VCV001308151.2), dbSNP rs916602684, ClinGen allele CA28594309.

ClinVar aggregate classification (germline): Uncertain significance (1 of 4 stars; one submission).

Allele frequency attached by ClinVar (database versions not stated): gnomAD exomes below 0.00001; TOPMed below 0.00001.
gnomAD v4.1: 7 of 1,614,056 alleles (0.00043%); highest among the groups gnomAD compares: South Asian, 0.0022%; no homozygotes.

Submission:

GeneDx
Classification: Uncertain significance. Last evaluated: 2019-08-26. Review status: criteria provided, single submitter. Criteria: GeneDx Variant Classification Process June 2021. Collection method: clinical testing. Allele origin: germline. Affected: yes.
Comment: Not observed in large population cohorts (Lek et al., 2016); Has not been previously published as pathogenic or benign to our knowledge; In silico analysis, which includes splice predictors and evolutionary conservation, suggests this variant may impact gene splicing. In the absence of RNA/functional studies, the actual effect of this sequence change is unknown.